The following is an entry in ClinVar:

NM_001164508.2(NEB):c.23149G>C (p.Glu7717Gln)

Genes: RIF1 (replication timing regulatory factor 1; plus strand), NEB (nebulin; minus strand). Cytogenetic location: 2q23.3.
Variant type: single nucleotide variant.
Coding change: c.23149G>C on transcript NM_001164508.2 (MANE Select); coding-DNA position 23149, G replaced by C.
Protein change: p.Glu7717Gln; replaces glutamic acid 7717 with glutamine.
Molecular consequence: missense variant.
Genome position (GRCh38, 1-based): chr2:151,513,672, C>G on the plus strand (G>C on the coding strand, the complement: NEB is on the minus strand). VCF-style: chr2-151513672-C-G. GRCh37 (hg19) VCF-style: chr2-152370186-C-G.
Other names: c.23149G>C, p.Glu7717Gln (NM_001164507.2); c.23254G>C, p.Glu7752Gln (NM_001271208.2); c.18046G>C, p.Glu6016Gln (NM_004543.5); short protein forms E6016Q, E7752Q, E7717Q.
Identifiers: ClinVar variation 331411 (VCV000331411.18), dbSNP rs766321668, ClinGen allele CA1906422.

ClinVar aggregate classification (germline): Conflicting classifications of pathogenicity. Review status: criteria provided, conflicting classifications (1 of 4 stars). 5 submissions from 5 submitters: Uncertain significance (3); Likely benign (1). 1 of the submissions does not count toward it. Last evaluated 2025-06-15.

Conditions:
Nemaline myopathy 2 (NEM2). Also called: Nemaline myopathy 2, autosomal recessive. Identifiers: MedGen C1850569, MONDO:0009725, OMIM 256030.

Allele frequency attached by ClinVar (database versions not stated): gnomAD 0.00003; ExAC 0.00005; TOPMed 0.00005; gnomAD exomes 0.00006 and 0.00011.
gnomAD v4.1: 161 of 1,604,370 alleles (0.01%); highest among the groups gnomAD compares: Non-Finnish European, 0.013%; 1 homozygote.

Submissions (5):

Labcorp Genetics (formerly Invitae), Labcorp
Classification: Likely benign for Nemaline myopathy 2. Last evaluated: 2025-06-15. Review status: criteria provided, single submitter. Criteria: Invitae Variant Classification Sherloc (09022015). Collection method: clinical testing. Allele origin: germline.

Revvity Omics, Revvity
Classification: Uncertain significance. Last evaluated: 2023-12-11. Review status: criteria provided, single submitter. Criteria: ACMG Guidelines, 2015. Collection method: clinical testing. Allele origin: germline.

GeneDx
Classification: Uncertain significance. Last evaluated: 2018-08-08. Review status: criteria provided, single submitter. Criteria: GeneDx Variant Classification (06012015). Collection method: clinical testing. Allele origin: germline. Affected: yes.
Comment: The E7752Q variant has not been published as a pathogenic variant, nor has it been reported as a benign variant to our knowledge. The E7752Q variant is observed in 3/40,352 (0.01%) alleles from individuals of European background (Lek et al., 2016; 1000 Genomes Consortium et al., 2015; Exome Variant Server). This variant is a semi-conservative amino acid substitution, which may impact secondary protein structure as these residues differ in some properties. This substitution occurs at a position that is conserved across species; however, missense variants in nearby residues have not been reported in the Human Gene Mutation Database in association with nemaline myopathy (Stenson et al., 2014). In silico analysis is inconsistent in its predictions as to whether or not the variant is damaging to the protein structure/function

Illumina Laboratory Services, Illumina
Classification: Uncertain significance for Nemaline myopathy 2. Last evaluated: 2018-01-13. Review status: criteria provided, single submitter. Criteria: ICSL Variant Classification Criteria 13 December 2019. Collection method: clinical testing. Allele origin: germline.

Natera, Inc.
Classification: Uncertain significance for Nemaline myopathy type 2. Last evaluated: 2020-03-24. Review status: no assertion criteria provided. Collection method: clinical testing. Allele origin: germline. Not counted in ClinVar's aggregate classification.